The following is an entry in ClinVar:

NM_000257.4(MYH7):c.5108A>G (p.Glu1703Gly)

Genes: MHRT (myosin heavy chain associated RNA transcript; plus strand), MYH7 (myosin heavy chain 7; minus strand), LOC126861897 (BRD4-independent group 4 enhancer GRCh37_chr14:23884455-23885654; plus strand). Cytogenetic location: 14q11.2.
Variant type: single nucleotide variant.
Coding change: c.5108A>G on transcript NM_000257.4 (MANE Select); coding-DNA position 5108, A replaced by G.
Protein change: p.Glu1703Gly; replaces glutamic acid 1703 with glycine.
Molecular consequence: missense variant. On other transcripts: non-coding transcript variant (1).
Genome position (GRCh38, 1-based): chr14:23,415,678, T>C on the plus strand (A>G on the coding strand, the complement: MYH7 is on the minus strand). VCF-style: chr14-23415678-T-C. GRCh37 (hg19) VCF-style: chr14-23884887-T-C.
Other names: c.5108A>G, p.Glu1703Gly (NM_001407004.1); short protein forms E1703G.
Identifiers: ClinVar variation 3075358 (VCV003075358.1), dbSNP rs2502242434, ClinGen allele CA389036948.

ClinVar aggregate classification (germline): Uncertain significance (1 of 4 stars; one submission).

Conditions:
Cardiomyopathy (CMYO). Also called: Cardiomyopathies. Identifiers: Orphanet 167848, MedGen C0878544, MONDO:0004994, HP:0001638. Inheritance: Various modes of inheritance.

Submission:

All of Us Research Program, National Institutes of Health
Classification: Uncertain significance for Cardiomyopathy. Last evaluated: 2024-01-11. Review status: criteria provided, single submitter. Criteria: ACMG Guidelines, 2015. Collection method: clinical testing. Allele origin: germline. Inheritance: Autosomal dominant inheritance. Observed: 1 variant allele, 1 heterozygote.
Comment: This study involves interpretation of variants in research participants for the purpose of population health screening. Participant phenotype was not available at the time of variant classification. Additional details can be found in publication PMID: 35346344, PMCID: PMC8962531